The following is an entry in ClinVar:

ClinVar aggregate classification (germline): Uncertain significance. Review status: criteria provided, multiple submitters, no conflicts (2 of 4 stars). 2 submissions from 2 submitters: Uncertain significance (2). Last evaluated 2025-06-29.

Conditions:
Cardiovascular phenotype. Identifiers: MedGen CN230736.
Progressive familial heart block type IB (PFHB1B). Identifiers: Orphanet 871, MedGen C1970298, MONDO:0011474, OMIM 604559.

Submissions (2):

Labcorp Genetics (formerly Invitae), Labcorp
Classification: Uncertain significance for Progressive familial heart block type IB. Last evaluated: 2025-06-29. Review status: criteria provided, single submitter. Criteria: Invitae Variant Classification Sherloc (09022015). Collection method: clinical testing. Allele origin: germline.
Comment: This sequence change creates a premature translational stop signal (p.Phe1079Leufs*44) in the TRPM4 gene. It is expected to result in an absent or disrupted protein product. However, the current clinical and genetic evidence is not sufficient to establish whether loss-of-function variants in TRPM4 cause disease. This variant is not present in population databases (gnomAD no frequency). This variant has not been reported in the literature in individuals affected with TRPM4-related conditions. ClinVar contains an entry for this variant (Variation ID: 965905). In summary, the available evidence is currently insufficient to determine the role of this variant in disease. Therefore, it has been classified as a Variant of Uncertain Significance.

Ambry Genetics
Classification: Uncertain significance for Cardiovascular phenotype. Last evaluated: 2025-03-06. Review status: criteria provided, single submitter. Criteria: Ambry Variant Classification Scheme 2023. Collection method: clinical testing. Allele origin: germline.
Comment: The c.3237delT variant, located in coding exon 21 of the TRPM4 gene, results from a deletion of one nucleotide at nucleotide position 3237, causing a translational frameshift with a predicted alternate stop codon (p.F1079Lfs*44). This alteration is expected to result in protein truncation or nonsense-mediated mRNA decay. However, loss of function of TRPM4 has not been established as a mechanism of disease. Based on the available evidence, the clinical significance of this alteration remains unclear.

NM_017636.4(TRPM4):c.3237del (p.Phe1079fs)

Gene: TRPM4 (transient receptor potential cation channel subfamily M member 4; plus strand). Cytogenetic location: 19q13.33.
Variant type: Deletion.
Coding change: c.3237del on transcript NM_017636.4 (MANE Select); coding-DNA position 3237, one base deleted (T; older notation c.3237delT).
Protein change: p.Phe1079fs; shifts the reading frame from phenylalanine 1079.
Molecular consequence: frameshift variant.
Genome position (GRCh38, 1-based): chr19:49,210,314, T deleted; the last of 3 consecutive T bases (chr19:49,210,312-49,210,314); deleting any one gives the same sequence. VCF-style (leftmost placement, unchanged base first): chr19-49210311-CT-C. GRCh37 (hg19) VCF-style: chr19-49713568-CT-C.
Other names: c.2802del, p.Phe934fs (NM_001195227.2); c.2892del, p.Phe964fs (NM_001321281.2); c.1629del, p.Phe543fs (NM_001321282.2); c.2715del, p.Phe905fs (NM_001321283.2); c.2175del, p.Phe725fs (NM_001321285.2); c.3237delT (NM_017636.3); short protein forms F905fs, F1079fs, F725fs, F964fs, F543fs, F934fs.
Identifiers: ClinVar variation 965905 (VCV000965905.8), dbSNP rs757819250, ClinGen allele CA9569821.